The following is an entry in ClinVar:

ClinVar aggregate classification (germline): Pathogenic (1 of 4 stars; one submission).

Submission:

CeGaT Center for Human Genetics Tuebingen
Classification: Pathogenic. Last evaluated: 2026-09-01. Review status: criteria provided, single submitter. Criteria: CeGaT Center For Human Genetics Tuebingen Variant Classification Criteria Version 2. Collection method: clinical testing. Allele origin: germline. Affected: yes. Observed: 1 variant allele.
Comment: NOTCH3: PM1:Strong, PM2, PM5, PP4, PS4:Supporting

NM_000435.3(NOTCH3):c.1318T>C (p.Cys440Arg)

Gene: NOTCH3 (notch receptor 3; minus strand). Cytogenetic location: 19p13.12.
Variant type: single nucleotide variant.
Coding change: c.1318T>C on transcript NM_000435.3 (MANE Select); coding-DNA position 1318, T replaced by C.
Protein change: p.Cys440Arg; replaces cysteine 440 with arginine.
Molecular consequence: missense variant.
Genome position (GRCh38, 1-based): chr19:15,189,049, A>G on the plus strand (T>C on the coding strand, the complement: NOTCH3 is on the minus strand). VCF-style: chr19-15189049-A-G. GRCh37 (hg19) VCF-style: chr19-15299860-A-G.
Other names: short protein forms C440R.
Identifiers: ClinVar variation 5041344 (VCV005041344.1).